The following is an entry in ClinVar:

ClinVar aggregate classification (germline): Uncertain significance. Review status: criteria provided, multiple submitters, no conflicts (2 of 4 stars). 2 submissions from 2 submitters: Uncertain significance (2). Last evaluated 2026-03-25.

Conditions:
CHCHD10-related disorder. Also called: CHCHD10-Related Disorders; CHCHD10-related condition. Identifiers: MedGen CN381526.
Lower motor neuron syndrome with late-adult onset (SMAJ). Also called: Late-Onset Spinal Motor Neuronopathy (SMAJ); Spinal muscular atrophy, Jokela type. Identifiers: Orphanet 276435, MedGen C3554398, MONDO:0014025, OMIM 615048.
Frontotemporal dementia and/or amyotrophic lateral sclerosis 2. Also called: FTDALS2. Identifiers: Orphanet 275872, MedGen C4014648, MONDO:0014395, OMIM 615911.
Autosomal dominant mitochondrial myopathy with exercise intolerance (IMMD). Also called: Myopathy, isolated mitochondrial, autosomal dominant. Identifiers: Orphanet 457050, MedGen C4015513, MONDO:0014532, OMIM 616209.

Submissions (2):

PreventionGenetics, part of Exact Sciences
Classification: Uncertain significance for CHCHD10-related condition. Last evaluated: 2026-03-25. Review status: criteria provided, single submitter. Criteria: ACMG Guidelines, 2015. Collection method: clinical testing. Allele origin: germline.
Comment: The CHCHD10 c.247C>T variant is predicted to result in the amino acid substitution p.Pro83Ser. To our knowledge, this variant has not been reported in the literature or in a large population database (gnomAD), indicating this variant is rare. At this time, the clinical significance of this variant is uncertain due to the absence of conclusive functional and genetic evidence.

Labcorp Genetics (formerly Invitae), Labcorp
Classification: Uncertain significance for Lower motor neuron syndrome with late-adult onset; Frontotemporal dementia and/or amyotrophic lateral sclerosis 2; Autosomal dominant mitochondrial myopathy with exercise intolerance. Last evaluated: 2025-05-25. Review status: criteria provided, single submitter. Criteria: Invitae Variant Classification Sherloc (09022015). Collection method: clinical testing. Allele origin: germline.
Comment: This sequence change replaces proline, which is neutral and non-polar, with serine, which is neutral and polar, at codon 83 of the CHCHD10 protein (p.Pro83Ser). This variant is not present in population databases (gnomAD no frequency). This variant has not been reported in the literature in individuals affected with CHCHD10-related conditions. An algorithm developed to predict the effect of missense changes on protein structure and function (PolyPhen-2) suggests that this variant is likely to be disruptive. In summary, the available evidence is currently insufficient to determine the role of this variant in disease. Therefore, it has been classified as a Variant of Uncertain Significance.

NM_213720.3(CHCHD10):c.247C>T (p.Pro83Ser)

Gene: CHCHD10 (coiled-coil-helix-coiled-coil-helix domain containing 10; minus strand). Cytogenetic location: 22q11.23.
Variant type: single nucleotide variant.
Coding change: c.247C>T on transcript NM_213720.3 (MANE Select); coding-DNA position 247, C replaced by T.
Protein change: p.Pro83Ser; replaces proline 83 with serine.
Molecular consequence: missense variant. On other transcripts: non-coding transcript variant (1).
Genome position (GRCh38, 1-based): chr22:23,767,388, G>A on the plus strand (C>T on the coding strand, the complement: CHCHD10 is on the minus strand). VCF-style: chr22-23767388-G-A. GRCh37 (hg19) VCF-style: chr22-24109575-G-A.
Other names: c.247C>T, p.Pro83Ser (NM_001301339.2); c.247C>T (NM_213720.2); short protein forms P83S.
Identifiers: ClinVar variation 4783412 (VCV004783412.2).